The following is an entry in ClinVar:

ClinVar aggregate classification (germline): Likely benign (0 of 4 stars; one submission).

Conditions:
CREBBP-related disorder. Also called: CREBBP-related condition; CREBBP-related disorders.

Allele frequency attached by ClinVar (database versions not stated): gnomAD 0.00001; TOPMed 0.00002.
gnomAD v4.1: 13 of 1,603,862 alleles (0.00081%); highest among the groups gnomAD compares: African/African-American, 0.0013%; no homozygotes.

Submission:

PreventionGenetics, part of Exact Sciences
Classification: Likely benign for CREBBP-related condition. Last evaluated: 2023-01-26. Review status: no assertion criteria provided. Collection method: clinical testing. Allele origin: germline.
Comment: This variant is classified as likely benign based on ACMG/AMP sequence variant interpretation guidelines (Richards et al. 2015 PMID: 25741868, with internal and published modifications).

NM_004380.3(CREBBP):c.4941C>T (p.Pro1647=)

Gene: CREBBP (CREB binding lysine acetyltransferase; minus strand). Cytogenetic location: 16p13.3.
Variant type: single nucleotide variant.
Coding change: c.4941C>T on transcript NM_004380.3 (MANE Select); coding-DNA position 4941, C replaced by T.
Protein change: p.Pro1647=; no amino-acid change (proline 1647 retained).
Molecular consequence: synonymous variant.
Genome position (GRCh38, 1-based): chr16:3,731,423, G>A on the plus strand (C>T on the coding strand, the complement: CREBBP is on the minus strand). VCF-style: chr16-3731423-G-A. GRCh37 (hg19) VCF-style: chr16-3781424-G-A.
Other names: c.4827C>T, p.Pro1609= (NM_001079846.1).
Identifiers: ClinVar variation 3031224 (VCV003031224.2), dbSNP rs766570245, ClinGen allele CA7869377.